The following is an entry in ClinVar:

NM_183357.3(ADCY5):c.2890G>T (p.Ala964Ser)

Gene: ADCY5 (adenylate cyclase 5; minus strand). Cytogenetic location: 3q21.1.
Variant type: single nucleotide variant.
Coding change: c.2890G>T on transcript NM_183357.3 (MANE Select); coding-DNA position 2890, G replaced by T.
Protein change: p.Ala964Ser; replaces alanine 964 with serine.
Molecular consequence: missense variant.
Genome position (GRCh38, 1-based): chr3:123,300,130, C>A on the plus strand (G>T on the coding strand, the complement: ADCY5 is on the minus strand). VCF-style: chr3-123300130-C-A. GRCh37 (hg19) VCF-style: chr3-123018977-C-A.
Other names: c.2890G>T (NM_183357.2); c.1840G>T, p.Ala614Ser (NM_001199642.1); c.2890G>T, p.Ala964Ser (NM_001378259.1); short protein forms A964S, A614S.
Identifiers: ClinVar variation 2063123 (VCV002063123.9), dbSNP rs373748121, ClinGen allele CA2576962.

ClinVar aggregate classification (germline): Conflicting classifications of pathogenicity. Review status: criteria provided, conflicting classifications (1 of 4 stars). 4 submissions from 4 submitters: Uncertain significance (3); Likely benign (1). Last evaluated 2025-07-16.

Conditions:
Inborn genetic diseases. Identifiers: MedGen C0950123, MeSH D030342.
Hereditary ataxia. Also called: Hereditary Ataxias. Identifiers: Orphanet 183518, MedGen C0004138, MONDO:0100309, MONDO:0000557.

Allele frequency attached by ClinVar (database versions not stated): ESP Exome Variant Server 0.00015.
gnomAD v4.1: 191 of 1,613,696 alleles (0.012%); highest among the groups gnomAD compares: Non-Finnish European, 0.015%; no homozygotes.

Submissions (4):

Ambry Genetics
Classification: Uncertain significance for Inborn genetic diseases. Last evaluated: 2025-07-16. Review status: criteria provided, single submitter. Criteria: Ambry Variant Classification Scheme 2023. Collection method: clinical testing. Allele origin: germline.

Labcorp Genetics (formerly Invitae), Labcorp
Classification: Likely benign. Last evaluated: 2024-06-06. Review status: criteria provided, single submitter. Criteria: Invitae Variant Classification Sherloc (09022015). Collection method: clinical testing. Allele origin: germline.

GeneDx
Classification: Uncertain significance. Last evaluated: 2023-02-17. Review status: criteria provided, single submitter. Criteria: GeneDx Variant Classification Process June 2021. Collection method: clinical testing. Allele origin: germline. Affected: yes.
Comment: In silico analysis supports that this missense variant does not alter protein structure/function; Has not been previously published as pathogenic or benign to our knowledge

Cambridge Genomics Laboratory, East Genomic Laboratory Hub, NHS Genomic Medicine Service
Classification: Uncertain significance for Hereditary ataxia. Last evaluated: 2020-05-14. Review status: criteria provided, single submitter. Criteria: ACGS Best Practice Guidelines for Variant Classification in Rare Disease 2020. Collection method: clinical testing. Allele origin: germline. Affected: yes. Observed: 1 variant allele.